The following is an entry in ClinVar:

NM_003906.5(MCM3AP):c.3809T>C (p.Val1270Ala)

Gene: MCM3AP (minichromosome maintenance complex component 3 associated protein; minus strand). Cytogenetic location: 21q22.3.
Variant type: single nucleotide variant.
Coding change: c.3809T>C on transcript NM_003906.5 (MANE Select); coding-DNA position 3809, T replaced by C.
Protein change: p.Val1270Ala; replaces valine 1270 with alanine.
Molecular consequence: missense variant.
Genome position (GRCh38, 1-based): chr21:46,256,912, A>G on the plus strand (T>C on the coding strand, the complement: MCM3AP is on the minus strand). VCF-style: chr21-46256912-A-G. GRCh37 (hg19) VCF-style: chr21-47676826-A-G.
Other names: short protein forms V1270A.
Identifiers: ClinVar variation 1957831 (VCV001957831.5), dbSNP rs771302214, ClinGen allele CA10076363.

ClinVar aggregate classification (germline): Uncertain significance (1 of 4 stars; one submission).

Allele frequency attached by ClinVar (database versions not stated): gnomAD exomes below 0.00001; ExAC 0.00001.
gnomAD v4.1: 1 of 1,610,836 alleles (0.000062%); highest among the groups gnomAD compares: East Asian, 0.0022%; no homozygotes.

Submission:

Labcorp Genetics (formerly Invitae), Labcorp
Classification: Uncertain significance. Last evaluated: 2023-08-04. Review status: criteria provided, single submitter. Criteria: Invitae Variant Classification Sherloc (09022015). Collection method: clinical testing. Allele origin: germline.
Comment: This sequence change replaces valine, which is neutral and non-polar, with alanine, which is neutral and non-polar, at codon 1270 of the MCM3AP protein (p.Val1270Ala). This variant is present in population databases (rs771302214, gnomAD 0.006%). This variant has not been reported in the literature in individuals affected with MCM3AP-related conditions. ClinVar contains an entry for this variant (Variation ID: 1957831). An algorithm developed to predict the effect of missense changes on protein structure and function (PolyPhen-2) suggests that this variant is likely to be tolerated. In summary, the available evidence is currently insufficient to determine the role of this variant in disease. Therefore, it has been classified as a Variant of Uncertain Significance.